The following is an entry in ClinVar:

ClinVar aggregate classification (germline): Pathogenic (1 of 4 stars; one submission).

Conditions:
Fabry disease. Also called: ALPHA-GALACTOSIDASE A DEFICIENCY; ANDERSON-FABRY DISEASE; CERAMIDE TRIHEXOSIDASE DEFICIENCY; GLA DEFICIENCY; HEREDITARY DYSTOPIC LIPIDOSIS; Angiokeratoma corporis diffusum. Identifiers: Orphanet 324, MedGen C0002986, MONDO:0010526, OMIM 301500, HP:0001071. Disease mechanism: Fabry disease is due to inactivating mutations in the X-linked GLA gene resulting in deficiency of the enzyme Alpha Galactosidase-A., loss of function.

gnomAD v4.1: 1 of 1,211,778 alleles (0.000083%); highest among the groups gnomAD compares: Non-Finnish European, 0.00011%; no homozygotes.

Submission:

Genomenon, Inc
Classification: Pathogenic for Fabry disease. Last evaluated: 2026-09-08. Review status: criteria provided, single submitter. Criteria: Genomenon Sequence Variant Interpretation Standards - Updated. Collection method: curation. Allele origin: germline. Affected: yes.
Comment: GLA p.Leu344Pro (c.1031T>C) is a missense variant that changes the amino acid at codon 344 from Leucine to Proline. This variant has been observed in at least one proband with clinical features consistent with Fabry disease (PMID:32843101;38002959;39980015;39182239;33661535). The variant was found to segregate with disease in at least one affected family (PMID:32843101). At least one functional study has demonstrated a substantial alteration in protein function relative to the wild-type (PMID:32023956;27657681). It is absent or not present at a significant frequency in gnomAD. In silico models predict that this variant is possibly or probably damaging. In conclusion, we classify GLA p.Leu344Pro (c.1031T>C) as a pathogenic variant.

Literature cited by the submitters: PubMed 32843101; PubMed 38002959; PubMed 39980015; PubMed 39182239; PubMed 33661535; PubMed 32023956; PubMed 27657681.

NM_000169.3(GLA):c.1031T>C (p.Leu344Pro)

Genes: GLA (galactosidase alpha; minus strand), RPL36A-HNRNPH2 (RPL36A-HNRNPH2 readthrough; plus strand). Cytogenetic location: Xq22.1.
Variant type: single nucleotide variant.
Coding change: c.1031T>C on transcript NM_000169.3 (MANE Select); coding-DNA position 1031, T replaced by C.
Protein change: p.Leu344Pro; replaces leucine 344 with proline.
Molecular consequence: missense variant. On other transcripts: non-coding transcript variant (3), intron variant (2).
Genome position (GRCh38, 1-based): chrX:101,398,068, A>G on the plus strand (T>C on the coding strand, the complement: GLA is on the minus strand). VCF-style: chrX-101398068-A-G. GRCh37 (hg19) VCF-style: chrX-100653056-A-G.
Other names: c.1154T>C, p.Leu385Pro (NM_001406747.1); c.300+2611A>G (NM_001199973.2); c.177+6246A>G (NM_001199974.2); short protein forms L344P, L385P.
Identifiers: ClinVar variation 4087622 (VCV004087622.2), dbSNP rs869312216.